The following is an entry in ClinVar:

NM_000719.7(CACNA1C):c.4976A>G (p.His1659Arg)

Genes: CACNA1C (calcium voltage-gated channel subunit alpha1 C; plus strand), CACNA1C-AS1 (CACNA1C antisense RNA 1; minus strand). Cytogenetic location: 12p13.33.
Variant type: single nucleotide variant.
Coding change: c.4976A>G on transcript NM_000719.7 (MANE Select); coding-DNA position 4976, A replaced by G.
Protein change: p.His1659Arg; replaces histidine 1659 with arginine.
Molecular consequence: missense variant. On other transcripts: non-coding transcript variant (1).
Genome position (GRCh38, 1-based): chr12:2,677,752, A>G. VCF-style: chr12-2677752-A-G. GRCh37 (hg19) VCF-style: chr12-2786918-A-G.
Other names: c.5120A>G, p.His1707Arg (NM_001129827.2, NM_199460.4); c.5099A>G, p.His1700Arg (NM_001129829.2); c.4976A>G, p.His1659Arg (NM_001129830.3, NM_001129840.2, NM_001129841.2 and 4 more transcripts); c.5060A>G, p.His1687Arg (NM_001129831.2); c.5036A>G, p.His1679Arg (NM_001129832.2); c.5033A>G, p.His1678Arg (NM_001129833.2, NM_001129834.2, NM_001129835.2); c.5027A>G, p.His1676Arg (NM_001129836.2); c.5000A>G, p.His1667Arg (NM_001129837.2, NM_001129838.2); and 3 more; short protein forms H1648R, H1656R, H1659R, H1665R, H1667R, H1676R, H1678R, H1679R.
Identifiers: ClinVar variation 3618837 (VCV003618837.2).

ClinVar aggregate classification (germline): Uncertain significance (1 of 4 stars; one submission).

Conditions:
Long QT syndrome (LQTS). Identifiers: MedGen C0023976, MeSH D008133, MONDO:0002442. Disease mechanism: loss of function. Inheritance: Various modes of inheritance.

Submission:

Labcorp Genetics (formerly Invitae), Labcorp
Classification: Uncertain significance for Long QT syndrome. Last evaluated: 2024-04-25. Review status: criteria provided, single submitter. Criteria: Invitae Variant Classification Sherloc (09022015). Collection method: clinical testing. Allele origin: germline.
Comment: This sequence change replaces histidine, which is basic and polar, with arginine, which is basic and polar, at codon 1659 of the CACNA1C protein (p.His1659Arg). This variant is not present in population databases (gnomAD no frequency). This variant has not been reported in the literature in individuals affected with CACNA1C-related conditions. Advanced modeling of protein sequence and biophysical properties (such as structural, functional, and spatial information, amino acid conservation, physicochemical variation, residue mobility, and thermodynamic stability) has been performed at Invitae for this missense variant, however the output from this modeling did not meet the statistical confidence thresholds required to predict the impact of this variant on CACNA1C protein function. In summary, the available evidence is currently insufficient to determine the role of this variant in disease. Therefore, it has been classified as a Variant of Uncertain Significance.